The following is an entry in ClinVar:

NM_002834.5(PTPN11):c.1493G>A (p.Arg498Gln)

Gene: PTPN11 (protein tyrosine phosphatase non-receptor type 11; plus strand). Cytogenetic location: 12q24.13.
Variant type: single nucleotide variant.
Coding change: c.1493G>A on transcript NM_002834.5 (MANE Select); coding-DNA position 1493, G replaced by A.
Protein change: p.Arg498Gln; replaces arginine 498 with glutamine.
Molecular consequence: missense variant.
Genome position (GRCh38, 1-based): chr12:112,489,069, G>A. VCF-style: chr12-112489069-G-A. GRCh37 (hg19) VCF-style: chr12-112926873-G-A.
Other names: c.1505G>A, p.Arg502Gln (NM_001330437.2); c.1490G>A, p.Arg497Gln (NM_001374625.1); c.1493G>A (NM_002834.4); short protein forms R497Q, R498Q, R502Q.
Identifiers: ClinVar variation 1805026 (VCV001805026.4), dbSNP rs397507542, ClinGen allele CA386779805.

ClinVar aggregate classification (germline): Likely pathogenic. Review status: criteria provided, multiple submitters, no conflicts (2 of 4 stars). 3 submissions from 3 submitters: Likely pathogenic (3). Last evaluated 2024-07-22.
ClinVar aggregate classification (somatic clinical impact): Tier I - Strong (1 of 4 stars; one submission).

Conditions:
Noonan syndrome 1 (NS1). Also called: FEMALE PSEUDO-TURNER SYNDROME; TURNER PHENOTYPE WITH NORMAL KARYOTYPE; PTPN11-Related Noonan Syndrome. Identifiers: Orphanet 648, MedGen C4551602, MONDO:0008104, OMIM 163950. Disease mechanism: gain of function.
Embryonal rhabdomyosarcoma (ERMS). Also called: Botryoid rhabdomyosarcoma (type of ERMS); Spindle cell rhabdomyosarcomas (type of ERMS). Identifiers: Orphanet 99757, MedGen C0206656, MONDO:0009993, HP:0006743.

Submissions (4):

Institute for Genomic Medicine (IGM) Clinical Laboratory, Nationwide Children's Hospital
Classification: Tier I - Strong for Embryonal rhabdomyosarcoma. Assertion type: diagnostic. Clinical significance: supports diagnosis. Last evaluated: 2025-03-31. Review status: criteria provided, single submitter. Criteria: AMP/ASCO/CAP Guidelines, 2017. Collection method: clinical testing. Allele origin: somatic. Affected: yes.
Comment: Variant has Tier I (strong) clinical significance as a diagnostic inclusion criterion in embryonal rhabdomyosarcoma, based on the following evidence: 1) Diagnostic for a specific tumor type/classification based on well-powered studies with expert-level consensus (Evidence Level B; PMIDs: 24436047, 34166060, 26138366, 16518851, 19681119, 22142829).

GeneDx
Classification: Likely pathogenic. Last evaluated: 2024-07-22. Review status: criteria provided, single submitter. Criteria: GeneDx Variant Classification Process June 2021. Collection method: clinical testing. Allele origin: germline. Affected: yes.
Comment: Identified in a patient with clinical features of PTPN11-related disorder in published literature (PMID: 38540404); Not observed at significant frequency in large population cohorts (gnomAD); Missense variants in this gene are a common cause of disease and they are underrepresented in the general population; In silico analysis supports that this missense variant has a deleterious effect on protein structure/function; This variant is associated with the following publications: (PMID: 11992261, 24935154, 21533187, 38540404, 37904969, 17875892, 15121796, 17339163)

MVZ Medizinische Genetik Mainz
Classification: Likely pathogenic for Noonan syndrome 1. Last evaluated: 2023-11-02. Review status: criteria provided, single submitter. Criteria: UK Practice Guidelines For Variant Classification V4 01 2020. Collection method: clinical testing. Allele origin: germline. Inheritance: Autosomal dominant inheritance. Affected: yes. Observed: 1 variant allele.
Comment: ACMG Criteria: PM5_STR,PM2_SUP_MOD,PP2,PP3

Victorian Clinical Genetics Services, Murdoch Childrens Research Institute
Classification: Likely pathogenic for Noonan syndrome 1. Last evaluated: 2021-05-06. Review status: criteria provided, single submitter. Criteria: ACMG Guidelines, 2015. Collection method: clinical testing. Allele origin: germline. Inheritance: Autosomal dominant inheritance. Affected: yes.
Comment: Based on the classification scheme VCGS_Germline_v1.3.4, this variant is classified as Likely pathogenic. Following criteria are met: 0103 - Both loss- and gain-of-function are known mechanisms of disease for this gene. Metachondromatosis (MIM#156250) and Noonan syndrome with multiple lentigines have been associated with loss of function variants, whereas Noonan syndrome 1 (MIM#163950) is caused by gain of function variants (PMIDs: 11992261, 24935154, 21533187). (I) 0107 - This gene is associated with autosomal dominant disease. (I) 0115 - Variants in this gene are known to have variable expressivity (GeneReviews). (I) 0200 - Variant is predicted to result in a missense amino acid change from arginine to glutamine. (I) 0251 - This variant is heterozygous. (I) 0301 - Variant is absent from gnomAD (both v2 and v3). (SP) 0309 - An alternative amino acid change at the same position has been observed in gnomAD (v2, v3) (1 heterozygote, 0 homozygotes). (I) 0501 - Missense variant consistently predicted to be damaging by multiple in silico tools or highly conserved with a major amino acid change. (SP) 0602 - Variant is located in a hotspot region or cluster of pathogenic variants (Decipher). (SP) 0701 - Other missense variants comparable to the one identified in this case have very strong previous evidence for pathogenicity. These variants, (p.Arg498Trp, p.Arg498Leu), have been reported many times as pathogenic, in individuals with either Noonan syndrome or LEOPARD syndrome (ClinVar, LOVD). (SP) 0807 - This variant has no previous evidence of pathogenicity. (I) 0905 - No published segregation evidence has been identified for this variant. (I) 1007 - No published functional evidence has been identified for this variant. (I) 1208 - Inheritance information for this variant is not currently available in this individual. (I) Legend: (SP) - Supporting pathogenic, (I) - Information, (SB) - Supporting benign

Literature cited by the submitters: PubMed 24436047 (cited by Institute for Genomic Medicine (IGM) Clinical Laboratory, Nationwide Children's Hospital); PubMed 34166060 (cited by Institute for Genomic Medicine (IGM) Clinical Laboratory, Nationwide Children's Hospital); PubMed 26138366 (cited by Institute for Genomic Medicine (IGM) Clinical Laboratory, Nationwide Children's Hospital); PubMed 16518851 (cited by Institute for Genomic Medicine (IGM) Clinical Laboratory, Nationwide Children's Hospital); PubMed 19681119 (cited by Institute for Genomic Medicine (IGM) Clinical Laboratory, Nationwide Children's Hospital); PubMed 22142829 (cited by Institute for Genomic Medicine (IGM) Clinical Laboratory, Nationwide Children's Hospital); PubMed 11992261 (cited by Victorian Clinical Genetics Services, Murdoch Childrens Research Institute); PubMed 21533187 (cited by Victorian Clinical Genetics Services, Murdoch Childrens Research Institute); PubMed 24935154 (cited by Victorian Clinical Genetics Services, Murdoch Childrens Research Institute).